The following is an entry in ClinVar:

NM_001084.5(PLOD3):c.1992G>A (p.Leu664=)

Gene: PLOD3 (procollagen-lysine,2-oxoglutarate 5-dioxygenase 3; minus strand). Cytogenetic location: 7q22.1.
Variant type: single nucleotide variant.
Coding change: c.1992G>A on transcript NM_001084.5 (MANE Select); coding-DNA position 1992, G replaced by A.
Protein change: p.Leu664=; no amino-acid change (leucine 664 retained).
Molecular consequence: synonymous variant.
Genome position (GRCh38, 1-based): chr7:101,206,848, C>T on the plus strand (G>A on the coding strand, the complement: PLOD3 is on the minus strand). VCF-style: chr7-101206848-C-T. GRCh37 (hg19) VCF-style: chr7-100850129-C-T.
Identifiers: ClinVar variation 2979508 (VCV002979508.23), dbSNP rs374925213, ClinGen allele CA4407426.

ClinVar aggregate classification (germline): Likely benign. Review status: criteria provided, multiple submitters, no conflicts (2 of 4 stars). 2 submissions from 2 submitters: Likely benign (2). Last evaluated 2025-02-28.

Allele frequency attached by ClinVar (database versions not stated): gnomAD 0.00001; gnomAD exomes 0.00001; TOPMed 0.00002; ESP Exome Variant Server 0.00008.
gnomAD v4.1: 10 of 1,568,782 alleles (0.00064%); highest among the groups gnomAD compares: Non-Finnish European, 0.00086%; no homozygotes.

Submissions (2):

Labcorp Genetics (formerly Invitae), Labcorp
Classification: Likely benign. Last evaluated: 2025-02-28. Review status: criteria provided, single submitter. Criteria: Invitae Variant Classification Sherloc (09022015). Collection method: clinical testing. Allele origin: germline.

CeGaT Center for Human Genetics Tuebingen
Classification: Likely benign. Last evaluated: 2024-04-01. Review status: criteria provided, single submitter. Criteria: CeGaT Center For Human Genetics Tuebingen Variant Classification Criteria Version 2. Collection method: clinical testing. Allele origin: germline. Affected: yes. Observed: 1 variant allele.
Comment: PLOD3: BP4, BP7